The following is an entry in ClinVar:

ClinVar aggregate classification (germline): Likely benign (1 of 4 stars; one submission).

Conditions:
MGAM-related disorder. Also called: MGAM-related condition.

gnomAD v4.1: 126 of 1,504,250 alleles (0.0084%); highest among the groups gnomAD compares: Middle Eastern, 0.034%; 21 homozygotes.

Submission:

PreventionGenetics, part of Exact Sciences
Classification: Likely benign for MGAM-related condition. Last evaluated: 2025-01-28. Review status: criteria provided, single submitter. Criteria: ACMG Guidelines, 2015. Collection method: clinical testing. Allele origin: germline.
Comment: This variant is classified as likely benign based on ACMG/AMP sequence variant interpretation guidelines (Richards et al. 2015 PMID: 25741868, with internal and published modifications).

NM_001365693.1(MGAM):c.7143C>T (p.Tyr2381=)

Gene: MGAM (maltase-glucoamylase; plus strand). Cytogenetic location: 7q34.
Variant type: single nucleotide variant.
Coding change: c.7143C>T on transcript NM_001365693.1 (MANE Select); coding-DNA position 7143, C replaced by T.
Protein change: p.Tyr2381=; no amino-acid change (tyrosine 2381 retained).
Molecular consequence: synonymous variant. On other transcripts: intron variant (1).
Genome position (GRCh38, 1-based): chr7:142,093,521, C>T. VCF-style: chr7-142093521-C-T. GRCh37 (hg19) VCF-style: chr7-141793321-C-T.
Other names: c.4619-1099C>T (NM_004668.3).
Identifiers: ClinVar variation 5002109 (VCV005002109.1).